The following is an entry in ClinVar:

NM_001605.3(AARS1):c.1529G>A (p.Arg510His)

Gene: AARS1 (alanyl-tRNA synthetase 1; minus strand). Cytogenetic location: 16q22.1.
Variant type: single nucleotide variant.
Coding change: c.1529G>A on transcript NM_001605.3 (MANE Select); coding-DNA position 1529, G replaced by A.
Protein change: p.Arg510His; replaces arginine 510 with histidine.
Molecular consequence: missense variant.
Genome position (GRCh38, 1-based): chr16:70,262,488, C>T on the plus strand (G>A on the coding strand, the complement: AARS1 is on the minus strand). VCF-style: chr16-70262488-C-T. GRCh37 (hg19) VCF-style: chr16-70296391-C-T.
Other names: c.1529G>A (NM_001605.2); short protein forms R510H.
Identifiers: ClinVar variation 1682215 (VCV001682215.9), dbSNP rs202176955, ClinGen allele CA8140765.

ClinVar aggregate classification (germline): Uncertain significance. Review status: criteria provided, multiple submitters, no conflicts (2 of 4 stars). 2 submissions from 2 submitters: Uncertain significance (2). Last evaluated 2025-08-11.

Conditions:
Inborn genetic diseases. Identifiers: MedGen C0950123, MeSH D030342.
Charcot-Marie-Tooth disease type 2. Also called: Charcot-Marie-Tooth type 2. Identifiers: Orphanet 64746, MedGen C0270914, MONDO:0018993.

Allele frequency attached by ClinVar (database versions not stated): gnomAD 0.00002; TOPMed 0.00003; ExAC 0.00003; 1000 Genomes Project 30x 0.00016; 1000 Genomes Project 0.00020.
gnomAD v4.1: 33 of 1,614,026 alleles (0.002%); highest among the groups gnomAD compares: East Asian, 0.029%; no homozygotes.

Submissions (2):

Labcorp Genetics (formerly Invitae), Labcorp
Classification: Uncertain significance for Charcot-Marie-Tooth disease type 2. Last evaluated: 2025-08-11. Review status: criteria provided, single submitter. Criteria: Invitae Variant Classification Sherloc (09022015). Collection method: clinical testing. Allele origin: germline.
Comment: This sequence change replaces arginine, which is basic and polar, with histidine, which is basic and polar, at codon 510 of the AARS protein (p.Arg510His). This variant is present in population databases (rs202176955, gnomAD 0.02%). This variant has not been reported in the literature in individuals affected with AARS-related conditions. ClinVar contains an entry for this variant (Variation ID: 1682215). Invitae Evidence Modeling of protein sequence and biophysical properties (such as structural, functional, and spatial information, amino acid conservation, physicochemical variation, residue mobility, and thermodynamic stability) indicates that this missense variant is not expected to disrupt AARS protein function with a negative predictive value of 80%. In summary, the available evidence is currently insufficient to determine the role of this variant in disease. Therefore, it has been classified as a Variant of Uncertain Significance.

Ambry Genetics
Classification: Uncertain significance for Inborn genetic diseases. Last evaluated: 2022-10-04. Review status: criteria provided, single submitter. Criteria: Ambry Variant Classification Scheme 2023. Collection method: clinical testing. Allele origin: germline.
Comment: Unlikely to be causative of AARS-related Charcot-Marie-Tooth disease, type 2 (AD) Based on insufficient or conflicting evidence, the clinical significance of this alteration remains unclear.